The following is an entry in ClinVar:

ClinVar aggregate classification (germline): Conflicting classifications of pathogenicity. Review status: criteria provided, conflicting classifications (1 of 4 stars). 2 submissions from 2 submitters: Uncertain significance (1); Benign (1). Last evaluated 2025-06-07.

Conditions:
Dilated cardiomyopathy 1AA (CMD1AA). Also called: Cardiomyopathy, dilated, 1AA, with or without LVNC; CARDIOMYOPATHY, DILATED, 1AA, WITH OR WITHOUT LEFT VENTRICULAR NONCOMPACTION; CARDIOMYOPATHY, FAMILIAL HYPERTROPHIC, 23, WITH OR WITHOUT LEFT VENTRICULAR NONCOMPACTION. Identifiers: Orphanet 154, MedGen C2677338, MONDO:0012808, OMIM 612158.
Primary familial hypertrophic cardiomyopathy (HCM). Identifiers: Orphanet 99739, MedGen C0949658, MeSH D024741, MONDO:0024573. Inheritance: Various modes of inheritance.
Cardiovascular phenotype. Identifiers: MedGen CN230736.

gnomAD v4.1: 8 of 1,614,066 alleles (0.0005%); highest among the groups gnomAD compares: African/African-American, 0.0027%; no homozygotes.

Submissions (2):

Ambry Genetics
Classification: Uncertain significance for Cardiovascular phenotype. Last evaluated: 2025-06-07. Review status: criteria provided, single submitter. Criteria: Ambry Variant Classification Scheme 2023. Collection method: clinical testing. Allele origin: germline.
Comment: The p.D450N variant (also known as c.1348G>A), located in coding exon 12 of the ACTN2 gene, results from a G to A substitution at nucleotide position 1348. The aspartic acid at codon 450 is replaced by asparagine, an amino acid with highly similar properties. This amino acid position is highly conserved in available vertebrate species. In addition, this alteration is predicted to be tolerated by in silico analysis. Since supporting evidence is limited at this time, the clinical significance of this alteration remains unclear.

Labcorp Genetics (formerly Invitae), Labcorp
Classification: Benign for Primary familial hypertrophic cardiomyopathy; Dilated cardiomyopathy 1AA. Last evaluated: 2025-02-02. Review status: criteria provided, single submitter. Criteria: Invitae Variant Classification Sherloc (09022015). Collection method: clinical testing. Allele origin: germline.

NM_001103.4(ACTN2):c.1348G>A (p.Asp450Asn)

Gene: ACTN2 (actinin alpha 2; plus strand). Cytogenetic location: 1q43.
Variant type: single nucleotide variant.
Coding change: c.1348G>A on transcript NM_001103.4 (MANE Select); coding-DNA position 1348, G replaced by A.
Protein change: p.Asp450Asn; replaces aspartic acid 450 with asparagine.
Molecular consequence: missense variant.
Genome position (GRCh38, 1-based): chr1:236,744,718, G>A. VCF-style: chr1-236744718-G-A. GRCh37 (hg19) VCF-style: chr1-236908018-G-A.
Other names: c.1348G>A, p.Asp450Asn (NM_001278343.2); c.724G>A, p.Asp242Asn (NM_001278344.2); short protein forms D242N, D450N.
Identifiers: ClinVar variation 1514848 (VCV001514848.11), dbSNP rs774252565, ClinGen allele CA1473129.